The following is an entry in ClinVar:

NC_000016.10:g.(?_78386840)_(78432772_?)dup

Gene: WWOX (WW domain containing oxidoreductase; plus strand). Cytogenetic location: 16q23.1.
Variant type: Duplication.
Identifiers: ClinVar variation 831308 (VCV000831308.7).

ClinVar aggregate classification (germline): Uncertain significance (1 of 4 stars; one submission).

Conditions:
Autosomal recessive spinocerebellar ataxia 12. Also called: SPINOCEREBELLAR ATAXIA WITH MENTAL RETARDATION AND EPILEPSY. Identifiers: Orphanet 284282, MedGen C3280452, MONDO:0013687, OMIM 614322.
Developmental and epileptic encephalopathy, 1 (DEE1). Also called: INFANTILE SPASM SYNDROME, X-LINKED 1; X-linked infantile spasms; West's syndrome; Tonic spasms with clustering, arrest of psychomotor development and hypsarrhythmia on EEG; X-Linked Infantile Spasm Syndrome; OHTAHARA SYNDROME, X-LINKED. Identifiers: MedGen C3463992, MONDO:0010632, OMIM 308350. Disease mechanism: loss of function.

Submission:

Labcorp Genetics (formerly Invitae), Labcorp
Classification: Uncertain significance for Developmental and epileptic encephalopathy, 1; Autosomal recessive spinocerebellar ataxia 12. Last evaluated: 2022-10-13. Review status: criteria provided, single submitter. Criteria: Invitae Variant Classification Sherloc (09022015). Collection method: clinical testing. Allele origin: germline.
Comment: This variant results in a copy number gain of the genomic region encompassing exon(s) 6-8 of the WWOX gene. While the exact position of this variant cannot be determined from the data, sub-genic copy number gains are generally in tandem (PMID: 25640679). This variant is predicted to be in-frame, and likely preserves the integrity of the reading frame. A similar copy number variant has been observed in individual(s) with WWOX-related conditions (PMID: 30356099). Experimental studies and prediction algorithms are not available or were not evaluated, and the functional significance of this variant is currently unknown. In summary, the available evidence is currently insufficient to determine the role of this variant in disease. Therefore, it has been classified as a Variant of Uncertain Significance.

Literature cited by the submitters: PubMed 25640679; PubMed 30356099.